The following is an entry in ClinVar:

NM_000503.6(EYA1):c.515C>T (p.Thr172Ile)

Gene: EYA1 (EYA transcriptional coactivator and phosphatase 1; minus strand). Cytogenetic location: 8q13.3.
Variant type: single nucleotide variant.
Coding change: c.515C>T on transcript NM_000503.6 (MANE Select); coding-DNA position 515, C replaced by T.
Protein change: p.Thr172Ile; replaces threonine 172 with isoleucine.
Molecular consequence: missense variant.
Genome position (GRCh38, 1-based): chr8:71,317,593, G>A on the plus strand (C>T on the coding strand, the complement: EYA1 is on the minus strand). VCF-style: chr8-71317593-G-A. GRCh37 (hg19) VCF-style: chr8-72229828-G-A.
Other names: c.497C>T, p.Thr166Ile (NM_001288574.2); c.149C>T, p.Thr50Ile (NM_001288575.2); c.602C>T, p.Thr201Ile (NM_001370333.1); c.515C>T, p.Thr172Ile (NM_001370334.1, NM_001370335.1, NM_172058.4); c.584C>T, p.Thr195Ile (NM_001370336.1); c.416C>T, p.Thr139Ile (NM_001411797.1, NM_172060.4); c.587C>T, p.Thr196Ile (NM_172059.5); short protein forms T196I, T50I, T139I, T201I, T166I, T172I, T195I.
Identifiers: ClinVar variation 1919185 (VCV001919185.5), dbSNP rs751860428, ClinGen allele CA4779753.

ClinVar aggregate classification (germline): Uncertain significance (1 of 4 stars; one submission).

Conditions:
Melnick-Fraser syndrome (BOR). Also called: Branchiootorenal Syndrome (BORS); Branchio-oto-renal syndrome; Branchiootorenal syndrome. Identifiers: Orphanet 107, MedGen C0265234, MONDO:0007029.

Allele frequency attached by ClinVar (database versions not stated): gnomAD exomes below 0.00001; ExAC 0.00001.
gnomAD v4.1: 2 of 1,614,072 alleles (0.00012%); highest among the groups gnomAD compares: Non-Finnish European, 0.00017%; no homozygotes.

Submission:

Labcorp Genetics (formerly Invitae), Labcorp
Classification: Uncertain significance for Melnick-Fraser syndrome. Last evaluated: 2022-07-06. Review status: criteria provided, single submitter. Criteria: Invitae Variant Classification Sherloc (09022015). Collection method: clinical testing. Allele origin: germline.
Comment: This sequence change replaces threonine, which is neutral and polar, with isoleucine, which is neutral and non-polar, at codon 172 of the EYA1 protein (p.Thr172Ile). This variant is present in population databases (rs751860428, gnomAD 0.0009%). This variant has not been reported in the literature in individuals affected with EYA1-related conditions. Algorithms developed to predict the effect of missense changes on protein structure and function are either unavailable or do not agree on the potential impact of this missense change (SIFT: "Deleterious"; PolyPhen-2: "Possibly Damaging"; Align-GVGD: "Class C0"). In summary, the available evidence is currently insufficient to determine the role of this variant in disease. Therefore, it has been classified as a Variant of Uncertain Significance.